The following is an entry in ClinVar:

ClinVar aggregate classification (germline): Pathogenic (1 of 4 stars; one submission).

Conditions:
Neuropathy, hereditary sensory and autonomic, type 2A (HSAN2A). Also called: WNK1-Related HSAN2 (HSAN2A); ACROOSTEOLYSIS, GIACCAI TYPE; ACROOSTEOLYSIS, NEUROGENIC; HSAN IIA; MORVAN DISEASE; NEUROPATHY, CONGENITAL SENSORY. Identifiers: Orphanet 970, MedGen C2752089, MONDO:0024309, OMIM 201300.
Pseudohypoaldosteronism type 2C (PHA2C). Also called: Pseudohypoaldosteronism Type IIC. Identifiers: Orphanet 757, Orphanet 88940, MedGen C1840391, MONDO:0013778, OMIM 614492.

Allele frequency attached by ClinVar (database versions not stated): TOPMed below 0.00001.

Submission:

Labcorp Genetics (formerly Invitae), Labcorp
Classification: Pathogenic for Neuropathy, hereditary sensory and autonomic, type 2A; Pseudohypoaldosteronism type 2C. Last evaluated: 2018-09-20. Review status: criteria provided, single submitter. Criteria: Invitae Variant Classification Sherloc (09022015). Collection method: clinical testing. Allele origin: germline.
Comment: For these reasons, this variant has been classified as Pathogenic. Loss-of-function variants in WNK1 are known to be pathogenic (PMID: 22910560). This variant has not been reported in the literature in individuals with WNK1-related disease. This variant is not present in population databases (ExAC no frequency). This sequence change creates a premature translational stop signal (p.Arg1111*) in the WNK1 gene. It is expected to result in an absent or disrupted protein product.

Literature cited by the submitters: PubMed 22910560.

NM_018979.4(WNK1):c.3331C>T (p.Arg1111Ter)

Gene: WNK1 (WNK lysine deficient protein kinase 1; plus strand). Cytogenetic location: 12p13.33.
Variant type: single nucleotide variant.
Coding change: c.3331C>T on transcript NM_018979.4 (MANE Select); coding-DNA position 3331, C replaced by T.
Protein change: p.Arg1111Ter; replaces arginine 1111 with a stop codon.
Molecular consequence: nonsense.
Genome position (GRCh38, 1-based): chr12:882,032, C>T. VCF-style: chr12-882032-C-T. GRCh37 (hg19) VCF-style: chr12-991198-C-T.
Other names: c.4111C>T, p.Arg1371Ter (NM_001184985.2); c.2590C>T, p.Arg864Ter (NM_014823.3); c.4087C>T, p.Arg1363Ter (NM_213655.5); short protein forms R1111*, R1371*, R864*, R1363*.
Identifiers: ClinVar variation 643570 (VCV000643570.6), dbSNP rs1051081383, ClinGen allele CA231477837.